The following is an entry in ClinVar:

ClinVar aggregate classification (germline): Benign/Likely benign. Review status: criteria provided, multiple submitters, no conflicts (2 of 4 stars). 4 submissions from 4 submitters: Benign (1); Likely benign (2). 1 of the submissions does not count toward it. Last evaluated 2026-01-25.

Conditions:
Hereditary cancer-predisposing syndrome. Also called: Hereditary Cancer Syndrome; Tumor predisposition; Neoplastic Syndromes, Hereditary; Hereditary neoplastic syndrome. Identifiers: Orphanet 140162, MedGen C0027672, MeSH D009386, MONDO:0015356.
Cardiovascular phenotype. Identifiers: MedGen CN230736.
LZTR1-related disorder. Also called: LZTR1-related disorders; LZTR1-related condition.

Allele frequency attached by ClinVar (database versions not stated): gnomAD 0.00001; TOPMed 0.00005.
gnomAD v4.1: 24 of 1,614,024 alleles (0.0015%); highest among the groups gnomAD compares: East Asian, 0.051%; no homozygotes.

Submissions (4):

Labcorp Genetics (formerly Invitae), Labcorp
Classification: Likely benign. Last evaluated: 2026-01-25. Review status: criteria provided, single submitter. Criteria: Invitae Variant Classification Sherloc (09022015). Collection method: clinical testing. Allele origin: germline.

Women's Health and Genetics/Laboratory Corporation of America, LabCorp
Classification: Benign. Last evaluated: 2021-11-07. Review status: criteria provided, single submitter. Criteria: LabCorp Variant Classification Summary - May 2015. Collection method: clinical testing. Allele origin: germline.

Ambry Genetics
Classification: Likely benign for Cardiovascular phenotype; Hereditary cancer-predisposing syndrome. Last evaluated: 2021-09-10. Review status: criteria provided, single submitter. Criteria: Ambry Variant Classification Scheme 2023. Collection method: clinical testing. Allele origin: germline.

PreventionGenetics, part of Exact Sciences
Classification: Likely benign for LZTR1-related condition. Last evaluated: 2019-08-09. Review status: no assertion criteria provided. Collection method: clinical testing. Allele origin: germline. Not counted in ClinVar's aggregate classification.
Comment: This variant is classified as likely benign based on ACMG/AMP sequence variant interpretation guidelines (Richards et al. 2015 PMID: 25741868, with internal and published modifications).

NM_006767.4(LZTR1):c.522T>G (p.Ala174=)

Gene: LZTR1 (leucine zipper like post translational regulator 1; plus strand). Cytogenetic location: 22q11.21.
Variant type: single nucleotide variant.
Coding change: c.522T>G on transcript NM_006767.4 (MANE Select); coding-DNA position 522, T replaced by G.
Protein change: p.Ala174=; no amino-acid change (alanine 174 retained).
Molecular consequence: synonymous variant.
Genome position (GRCh38, 1-based): chr22:20,988,801, T>G. VCF-style: chr22-20988801-T-G. GRCh37 (hg19) VCF-style: chr22-21343090-T-G.
Identifiers: ClinVar variation 1329030 (VCV001329030.12), dbSNP rs745514794, ClinGen allele CA10118478.